The following is an entry in ClinVar:

ClinVar aggregate classification (germline): Benign/Likely benign. Review status: criteria provided, multiple submitters, no conflicts (2 of 4 stars). 8 submissions from 8 submitters: Benign (2); Likely benign (6). Last evaluated 2026-08-01.

Conditions:
Curry-Hall syndrome (WAD). Also called: WEYERS ACRODENTAL DYSOSTOSIS. Identifiers: Orphanet 952, MedGen C0457013, MONDO:0008673, OMIM 193530.
Ellis-van Creveld syndrome (EVC). Also called: Chondroectodermal dysplasia; MESOECTODERMAL DYSPLASIA. Identifiers: Orphanet 289, MedGen C0013903, MONDO:0009162, OMIM 225500.

Allele frequency attached by ClinVar (database versions not stated): ExAC 0.00090; ESP Exome Variant Server 0.00254; gnomAD 0.00259 and 0.00270; TOPMed 0.00310; 1000 Genomes Project 0.00419; 1000 Genomes Project 30x 0.00422.
gnomAD v4.1: 874 of 1,613,128 alleles (0.054%); highest among the groups gnomAD compares: African/African-American, 0.82%; 6 homozygotes.

Submissions (8):

CeGaT Center for Human Genetics Tuebingen
Classification: Likely benign. Last evaluated: 2026-08-01. Review status: criteria provided, single submitter. Criteria: CeGaT Center For Human Genetics Tuebingen Variant Classification Criteria Version 2. Collection method: clinical testing. Allele origin: germline. Affected: yes. Observed: 3 variant alleles.
Comment: EVC2: BP4

Labcorp Genetics (formerly Invitae), Labcorp
Classification: Benign for Curry-Hall syndrome; Ellis-van Creveld syndrome. Last evaluated: 2026-02-01. Review status: criteria provided, single submitter. Criteria: Invitae Variant Classification Sherloc (09022015). Collection method: clinical testing. Allele origin: germline.

Blueprint Genetics
Classification: Likely benign. Last evaluated: 2024-10-30. Review status: criteria provided, single submitter. Criteria: ACMG Guidelines, 2015. Collection method: clinical testing. Allele origin: germline.

ARUP Laboratories, Molecular Genetics and Genomics, ARUP Laboratories
Classification: Likely benign. Last evaluated: 2020-04-30. Review status: criteria provided, single submitter. Criteria: ARUP Molecular Germline Variant Investigation Process. Collection method: clinical testing. Allele origin: germline.

Illumina Laboratory Services, Illumina
Classification: Likely benign for Ellis-van Creveld syndrome. Last evaluated: 2018-01-13. Review status: criteria provided, single submitter. Criteria: ICSL Variant Classification Criteria 13 December 2019. Collection method: clinical testing. Allele origin: germline.
Comment: This variant was observed in the ICSL laboratory as part of a predisposition screen in an ostensibly healthy population. It had not been previously curated by ICSL or reported in the Human Gene Mutation Database (HGMD: prior to June 1st, 2018), and was therefore a candidate for classification through an automated scoring system. Utilizing variant allele frequency, disease prevalence and penetrance estimates, and inheritance mode, an automated score was calculated to assess if this variant is too frequent to cause the disease. Based on the score and internal cut-off values, a variant classified as likely benign is not then subjected to further curation. The score for this variant resulted in a classification of likely benign for this disease.

GeneDx
Classification: Likely benign. Last evaluated: 2017-04-06. Review status: criteria provided, single submitter. Criteria: GeneDx Variant Classification (06012015). Collection method: clinical testing. Allele origin: germline. Affected: yes.
Comment: This variant is considered likely benign or benign based on one or more of the following criteria: it is a conservative change, it occurs at a poorly conserved position in the protein, it is predicted to be benign by multiple in silico algorithms, and/or has population frequency not consistent with disease.

Eurofins Ntd Llc (ga)
Classification: Benign. Last evaluated: 2016-10-11. Review status: criteria provided, single submitter. Criteria: EGL Classification Definitions 2015. Collection method: clinical testing. Allele origin: germline. Observed: 1 variant allele, 1 heterozygote.

Genetic Services Laboratory, University of Chicago
Classification: Likely benign. Last evaluated: 2016-03-04. Review status: criteria provided, single submitter. Criteria: ACMG Guidelines, 2015. Collection method: clinical testing. Allele origin: germline. Affected: no.

NM_147127.5(EVC2):c.3659+8T>C

Gene: EVC2 (EvC ciliary complex subunit 2; minus strand). Cytogenetic location: 4p16.2.
Variant type: single nucleotide variant.
Coding change: c.3659+8T>C on transcript NM_147127.5 (MANE Select); 8 bases into the intron after coding-DNA position 3659, T replaced by C.
Molecular consequence: intron variant.
Genome position (GRCh38, 1-based): chr4:5,565,250, A>G on the plus strand (T>C on the coding strand, the complement: EVC2 is on the minus strand). VCF-style: chr4-5565250-A-G. GRCh37 (hg19) VCF-style: chr4-5566977-A-G.
Other names: c.3419+8T>C (NM_001166136.2).
Identifiers: ClinVar variation 435102 (VCV000435102.37), dbSNP rs200119306, ClinGen allele CA2834235.
Genomic context (GRCh38, chr4:5,565,250, plus strand): 5'-CCCAGCCTGGCCCACAGGCAGCTTAGCTCACCCCCTCCCCAGCCACATGAGCAGGTGCCC[A>G]TCATTACCTCTGCTTTCTCTTGCGGGCCCACAGCATCTTTTCTAATCCTCTGCTTATCAG-3'